The following is an entry in ClinVar:

NM_022065.5(THADA):c.5811T>C (p.Ser1937=)

Gene: THADA (THADA armadillo repeat containing; minus strand). Cytogenetic location: 2p21.
Variant type: single nucleotide variant.
Coding change: c.5811T>C on transcript NM_022065.5 (MANE Select); coding-DNA position 5811, T replaced by C.
Protein change: p.Ser1937=; no amino-acid change (serine 1937 retained).
Molecular consequence: synonymous variant. On other transcripts: non-coding transcript variant (2).
Genome position (GRCh38, 1-based): chr2:43,230,999, A>G on the plus strand (T>C on the coding strand, the complement: THADA is on the minus strand). VCF-style: chr2-43230999-A-G. GRCh37 (hg19) VCF-style: chr2-43458138-A-G.
Other names: c.5811T>C, p.Ser1937= (NM_001083953.2, NM_001345925.2); c.5808T>C, p.Ser1936= (NM_001345923.2); c.5688T>C, p.Ser1896= (NM_001345924.2); c.*1882T>C (NM_198554.1).
Identifiers: ClinVar variation 3052385 (VCV003052385.2), dbSNP rs377552891, ClinGen allele CA1631815.

ClinVar aggregate classification (germline): Likely benign (0 of 4 stars; one submission).

Conditions:
THADA-related disorder. Also called: THADA-related condition.

gnomAD v4.1: 10 of 1,613,866 alleles (0.00062%); highest among the groups gnomAD compares: South Asian, 0.0011%; no homozygotes.

Submission:

PreventionGenetics, part of Exact Sciences
Classification: Likely benign for THADA-related condition. Last evaluated: 2019-08-15. Review status: no assertion criteria provided. Collection method: clinical testing. Allele origin: germline.
Comment: This variant is classified as likely benign based on ACMG/AMP sequence variant interpretation guidelines (Richards et al. 2015 PMID: 25741868, with internal and published modifications).